The following is an entry in ClinVar:

ClinVar aggregate classification (germline): Likely pathogenic (1 of 4 stars; one submission).

Conditions:
HSD10 mitochondrial disease (HSD10MD). Also called: 2-methyl-3-hydroxybutyric aciduria; HSD10 deficiency; 3H2MBD deficiency; 3-hydroxy-2-methylbutyryl-CoA dehydrogenase deficiency; 2M3HBA; 17-beta-hydroxysteroid dehydrogenase X deficiency. Identifiers: Orphanet 391417, Orphanet 85295, MedGen C3266731, MONDO:0010327, OMIM 300438. Disease mechanism: loss of function.

Submission:

Baylor Genetics
Classification: Likely pathogenic for HSD10 mitochondrial disease. Last evaluated: 2019-11-03. Review status: criteria provided, single submitter. Criteria: ACMG Guidelines, 2015. Collection method: clinical testing. Allele origin: de novo. Affected: yes.
Comment: This variant was determined to be likely pathogenic according to ACMG Guidelines, 2015 [PMID:25741868].

NM_004493.3(HSD17B10):c.85C>G (p.Arg29Gly)

Gene: HSD17B10 (hydroxysteroid 17-beta dehydrogenase 10; minus strand). Cytogenetic location: Xp11.22.
Variant type: single nucleotide variant.
Coding change: c.85C>G on transcript NM_004493.3 (MANE Select); coding-DNA position 85, C replaced by G.
Protein change: p.Arg29Gly; replaces arginine 29 with glycine.
Molecular consequence: missense variant.
Genome position (GRCh38, 1-based): chrX:53,433,829, G>C on the plus strand (C>G on the coding strand, the complement: HSD17B10 is on the minus strand). VCF-style: chrX-53433829-G-C. GRCh37 (hg19) VCF-style: chrX-53460776-G-C.
Other names: c.85C>G, p.Arg29Gly (NM_001037811.2); short protein forms R29G.
Identifiers: ClinVar variation 1028768 (VCV001028768.1), dbSNP rs1348504554, ClinGen allele CA413154867.